The following is an entry in ClinVar:

NM_001127644.2(GABRA1):c.*2T>A

Gene: GABRA1 (gamma-aminobutyric acid type A receptor subunit alpha1; plus strand). Cytogenetic location: 5q34.
Variant type: single nucleotide variant.
Coding change: c.*2T>A on transcript NM_001127644.2 (MANE Select); 2 bases downstream of the stop codon, T replaced by A.
Molecular consequence: 3 prime UTR variant.
Genome position (GRCh38, 1-based): chr5:161,897,424, T>A. VCF-style: chr5-161897424-T-A. GRCh37 (hg19) VCF-style: chr5-161324430-T-A.
Other names: c.*2T>A (NM_000806.5, NM_001127643.2, NM_001127645.2 and 1 more transcripts).
Identifiers: ClinVar variation 381966 (VCV000381966.8), dbSNP rs762836110, ClinGen allele CA3544615.

ClinVar aggregate classification (germline): Conflicting classifications of pathogenicity. Review status: criteria provided, conflicting classifications (1 of 4 stars). 3 submissions from 3 submitters: Uncertain significance (2); Likely benign (1). Last evaluated 2025-09-24.

Allele frequency attached by ClinVar (database versions not stated): gnomAD 0.00010; ExAC 0.00002; gnomAD exomes 0.00004 and 0.00013; TOPMed 0.00009.
gnomAD v4.1: 197 of 1,612,206 alleles (0.012%); highest among the groups gnomAD compares: Non-Finnish European, 0.016%; no homozygotes.

Submissions (3):

Women's Health and Genetics/Laboratory Corporation of America, LabCorp
Classification: Uncertain significance. Last evaluated: 2025-09-24. Review status: criteria provided, single submitter. Criteria: LabCorp Variant Classification Summary - May 2015. Collection method: clinical testing. Allele origin: germline.
Comment: Variant summary: GABRA1 c.*2T>A is located in the untranslated mRNA region downstream of the termination codon. The variant allele was found at a frequency of 4.4e-05 in 250402 control chromosomes. This frequency is not significantly higher than estimated for disease-causing variants in GABRA1, allowing no conclusion about variant significance. To our knowledge, no occurrence of c.*2T>A in individuals affected with GABRA1-related conditions and no experimental evidence demonstrating its impact on protein function have been reported. ClinVar contains an entry for this variant (Variation ID: 381966). Based on the evidence outlined above, the variant was classified as uncertain significance.

GeneDx
Classification: Likely benign. Last evaluated: 2018-03-22. Review status: criteria provided, single submitter. Criteria: GeneDx Variant Classification Process June 2021. Collection method: clinical testing. Allele origin: germline. Affected: yes.

Eurofins Ntd Llc (ga)
Classification: Uncertain significance. Last evaluated: 2017-06-06. Review status: criteria provided, single submitter. Criteria: EGL Classification Definitions 2015. Collection method: clinical testing. Allele origin: germline. Observed: 1 variant allele, 1 heterozygote.